The following is an entry in ClinVar:

NM_001166114.2(PNPLA6):c.3699T>C (p.Tyr1233=)

Gene: PNPLA6 (patatin like domain 6, lysophospholipase; plus strand). Cytogenetic location: 19p13.2.
Variant type: single nucleotide variant.
Coding change: c.3699T>C on transcript NM_001166114.2 (MANE Select); coding-DNA position 3699, T replaced by C.
Protein change: p.Tyr1233=; no amino-acid change (tyrosine 1233 retained).
Molecular consequence: synonymous variant.
Genome position (GRCh38, 1-based): chr19:7,559,151, T>C. VCF-style: chr19-7559151-T-C. GRCh37 (hg19) VCF-style: chr19-7624037-T-C.
Other names: c.3729T>C, p.Tyr1243= (NM_001166111.2); c.3504T>C, p.Tyr1168= (NM_001166112.2); c.3585T>C, p.Tyr1195= (NM_001166113.1, NM_006702.5).
Identifiers: ClinVar variation 860806 (VCV000860806.9), dbSNP rs2024006172, ClinGen allele CA505245084.

ClinVar aggregate classification (germline): Uncertain significance (1 of 4 stars; one submission).

Conditions:
Hereditary spastic paraplegia 39 (SPG39). Also called: Spastic Paraplegia Type 39 (SPG39); SPASTIC PARAPLEGIA 39, AUTOSOMAL RECESSIVE. Identifiers: Orphanet 139480, MedGen C2677586, MONDO:0012787, OMIM 612020.

Submission:

Labcorp Genetics (formerly Invitae), Labcorp
Classification: Uncertain significance for Hereditary spastic paraplegia 39. Last evaluated: 2019-06-18. Review status: criteria provided, single submitter. Criteria: Invitae Variant Classification Sherloc (09022015). Collection method: clinical testing. Allele origin: germline.
Comment: In summary, the available evidence is currently insufficient to determine the role of this variant in disease. Therefore, it has been classified as a Variant of Uncertain Significance. Algorithms developed to predict the effect of sequence changes on RNA splicing suggest that this variant is not likely to affect RNA splicing, but this prediction has not been confirmed by published transcriptional studies. This variant has not been reported in the literature in individuals with PNPLA6-related conditions. This variant is not present in population databases (ExAC no frequency). This sequence change affects codon 1195 of the PNPLA6 mRNA. It is a 'silent' change, meaning that it does not change the encoded amino acid sequence of the PNPLA6 protein.